The following is an entry in ClinVar:

ClinVar aggregate classification (germline): Uncertain significance (1 of 4 stars; one submission).

gnomAD v4.1: 1 of 1,614,228 alleles (0.000062%); highest among the groups gnomAD compares: Non-Finnish European, 0.000085%; no homozygotes.

Submission:

GeneDx
Classification: Uncertain significance. Last evaluated: 2025-04-28. Review status: criteria provided, single submitter. Criteria: GeneDx Variant Classification Process June 2021. Collection method: clinical testing. Allele origin: germline. Affected: yes.
Comment: Not observed at significant frequency in large population cohorts (gnomAD); In silico analysis supports that this missense variant has a deleterious effect on protein structure/function; Has not been previously published as pathogenic or benign to our knowledge

NM_003128.3(SPTBN1):c.5747T>G (p.Phe1916Cys)

Gene: SPTBN1 (spectrin beta, non-erythrocytic 1; plus strand). Cytogenetic location: 2p16.2.
Variant type: single nucleotide variant.
Coding change: c.5747T>G on transcript NM_003128.3 (MANE Select); coding-DNA position 5747, T replaced by G.
Protein change: p.Phe1916Cys; replaces phenylalanine 1916 with cysteine.
Molecular consequence: missense variant.
Genome position (GRCh38, 1-based): chr2:54,653,778, T>G. VCF-style: chr2-54653778-T-G. GRCh37 (hg19) VCF-style: chr2-54880915-T-G.
Other names: c.5708T>G, p.Phe1903Cys (NM_178313.3); short protein forms F1903C, F1916C.
Identifiers: ClinVar variation 4527595 (VCV004527595.1).